The following is an entry in ClinVar:

NM_001035.3(RYR2):c.5754C>T (p.Val1918=)

Gene: RYR2 (ryanodine receptor 2; plus strand). Cytogenetic location: 1q43.
Variant type: single nucleotide variant.
Coding change: c.5754C>T on transcript NM_001035.3 (MANE Select); coding-DNA position 5754, C replaced by T.
Protein change: p.Val1918=; no amino-acid change (valine 1918 retained).
Molecular consequence: synonymous variant.
Genome position (GRCh38, 1-based): chr1:237,617,324, C>T. VCF-style: chr1-237617324-C-T. GRCh37 (hg19) VCF-style: chr1-237780624-C-T.
Identifiers: ClinVar variation 43809 (VCV000043809.20), dbSNP rs397516545, ClinGen allele CA010007.

ClinVar aggregate classification (germline): Benign/Likely benign. Review status: criteria provided, multiple submitters, no conflicts (2 of 4 stars). 6 submissions from 6 submitters: Benign (1); Likely benign (5). Last evaluated 2026-01-25.

Conditions:
Cardiovascular phenotype. Identifiers: MedGen CN230736.
Catecholaminergic polymorphic ventricular tachycardia 1. Also called: VENTRICULAR TACHYCARDIA, CATECHOLAMINERGIC POLYMORPHIC, 1, WITH OR WITHOUT ATRIAL DYSFUNCTION AND/OR DILATED CARDIOMYOPATHY; VENTRICULAR TACHYCARDIA, STRESS-INDUCED POLYMORPHIC 1; RYR2-Related Catecholaminergic Polymorphic Ventricular Tachycardia. Identifiers: Orphanet 3286, MedGen C1631597, MONDO:0011484, OMIM 604772.
Cardiomyopathy (CMYO). Also called: Cardiomyopathies. Identifiers: Orphanet 167848, MedGen C0878544, MONDO:0004994, HP:0001638. Inheritance: Various modes of inheritance.
Catecholaminergic polymorphic ventricular tachycardia (CVPT). Also called: Catecholamine-induced polymorphic ventricular tachycardia. Identifiers: Orphanet 3286, MedGen C5574922, MONDO:0017990.

Allele frequency attached by ClinVar (database versions not stated): gnomAD exomes 0.00004 and 0.00012; gnomAD 0.00008 and 0.00009; ExAC 0.00017.
gnomAD v4.1: 82 of 1,613,532 alleles (0.0051%); highest among the groups gnomAD compares: Non-Finnish European, 0.0013%; no homozygotes.

Submissions (6):

Labcorp Genetics (formerly Invitae), Labcorp
Classification: Benign for Catecholaminergic polymorphic ventricular tachycardia 1. Last evaluated: 2026-01-25. Review status: criteria provided, single submitter. Criteria: Invitae Variant Classification Sherloc (09022015). Collection method: clinical testing. Allele origin: germline.

Blueprint Genetics
Classification: Likely benign. Last evaluated: 2024-08-16. Review status: criteria provided, single submitter. Criteria: ACMG Guidelines, 2015. Collection method: clinical testing. Allele origin: germline.

Ambry Genetics
Classification: Likely benign for Cardiovascular phenotype. Last evaluated: 2024-04-12. Review status: criteria provided, single submitter. Criteria: Ambry Variant Classification Scheme 2023. Collection method: clinical testing. Allele origin: germline.

All of Us Research Program, National Institutes of Health
Classification: Likely benign for Catecholaminergic polymorphic ventricular tachycardia. Last evaluated: 2024-02-05. Review status: criteria provided, single submitter. Criteria: ACMG Guidelines, 2015. Collection method: clinical testing. Allele origin: germline. Inheritance: Autosomal dominant inheritance. Observed: 3 variant alleles, 3 heterozygotes.
Comment: This study involves interpretation of variants in research participants for the purpose of population health screening. Participant phenotype was not available at the time of variant classification. Additional details can be found in publication PMID: 35346344, PMCID: PMC8962531

Color Diagnostics, LLC DBA Color Health
Classification: Likely benign for Cardiomyopathy. Last evaluated: 2021-06-01. Review status: criteria provided, single submitter. Criteria: ACMG Guidelines, 2015. Collection method: clinical testing. Allele origin: germline.

Laboratory for Molecular Medicine, Mass General Brigham Personalized Medicine
Classification: Likely benign. Last evaluated: 2011-10-06. Review status: criteria provided, single submitter. Criteria: LMM Criteria. Collection method: clinical testing. Allele origin: germline. Observed: 1 variant allele.
Comment: Val1918Val in exon 38 of RYR2: This variant does not change an amino acid and do es not affect the splice consensus sequence. This makes a disease causing role v ery unlikely.